The following is an entry in ClinVar:

ClinVar aggregate classification (germline): Uncertain significance (1 of 4 stars; one submission).

Conditions:
Glycogen storage disease type III (GSD3). Also called: FORBES DISEASE; Cori disease. Identifiers: Orphanet 366, MedGen C0017922, MONDO:0009291, OMIM 232400.

Allele frequency attached by ClinVar (database versions not stated): gnomAD exomes below 0.00001; TOPMed below 0.00001; gnomAD 0.00001.
gnomAD v4.1: 4 of 1,613,570 alleles (0.00025%); highest among the groups gnomAD compares: Admixed American, 0.0033%; no homozygotes.

Submission:

Labcorp Genetics (formerly Invitae), Labcorp
Classification: Uncertain significance for Glycogen storage disease type III. Last evaluated: 2023-05-22. Review status: criteria provided, single submitter. Criteria: Invitae Variant Classification Sherloc (09022015). Collection method: clinical testing. Allele origin: germline.
Comment: In summary, the available evidence is currently insufficient to determine the role of this variant in disease. Therefore, it has been classified as a Variant of Uncertain Significance. Advanced modeling of protein sequence and biophysical properties (such as structural, functional, and spatial information, amino acid conservation, physicochemical variation, residue mobility, and thermodynamic stability) performed at Invitae indicates that this missense variant is not expected to disrupt AGL protein function. ClinVar contains an entry for this variant (Variation ID: 1432329). This variant has not been reported in the literature in individuals affected with AGL-related conditions. This variant is present in population databases (no rsID available, gnomAD 0.003%). This sequence change replaces methionine, which is neutral and non-polar, with threonine, which is neutral and polar, at codon 991 of the AGL protein (p.Met991Thr).

NM_000642.3(AGL):c.2972T>C (p.Met991Thr)

Gene: AGL (amylo-alpha-1,6-glucosidase and 4-alpha-glucanotransferase; plus strand). Cytogenetic location: 1p21.2.
Variant type: single nucleotide variant.
Coding change: c.2972T>C on transcript NM_000642.3 (MANE Select); coding-DNA position 2972, T replaced by C.
Protein change: p.Met991Thr; replaces methionine 991 with threonine.
Molecular consequence: missense variant.
Genome position (GRCh38, 1-based): chr1:99,891,628, T>C. VCF-style: chr1-99891628-T-C. GRCh37 (hg19) VCF-style: chr1-100357184-T-C.
Other names: c.2924T>C, p.Met975Thr (NM_000646.3); c.2972T>C, p.Met991Thr (NM_001425325.1, NM_000028.3, NM_000643.3 and 1 more transcripts); c.2951T>C, p.Met984Thr (NM_001425326.1); c.2771T>C, p.Met924Thr (NM_001425327.1); c.2768T>C, p.Met923Thr (NM_001425328.1); c.2633T>C, p.Met878Thr (NM_001425329.1); c.2594T>C, p.Met865Thr (NM_001425332.1); short protein forms M991T, M975T, M865T, M878T, M923T, M924T, M984T.
Identifiers: ClinVar variation 1432329 (VCV001432329.5), dbSNP rs1412424871, ClinGen allele CA341325690.